The following is an entry in ClinVar:

ClinVar aggregate classification (germline): Pathogenic/Likely pathogenic. Review status: criteria provided, multiple submitters, no conflicts (2 of 4 stars). 2 submissions from 2 submitters: Pathogenic (1); Likely pathogenic (1). Last evaluated 2026-04-16.

Conditions:
Fanconi anemia complementation group D2. Also called: FANCD2-Related Fanconi Anemia; FANCONI PANCYTOPENIA, TYPE 4; FANCONI ANEMIA, COMPLEMENTATION GROUP D. Identifiers: Orphanet 84, MedGen C3160738, MONDO:0009214, OMIM 227646.

Submissions (2):

Dasa
Classification: Likely pathogenic. Last evaluated: 2026-04-16. Review status: criteria provided, single submitter. Criteria: DASA Assertion Criteria. Collection method: clinical testing. Allele origin: germline.
Comment: NM_001018115.3(FANCD2):c.1279-1G>A affects a canonical splice site and is predicted to disrupt normal RNA splicing. Loss of function is an established disease mechanism for FANCD2-associated disorders. Also, this variant is absent from population databases. Based on the currently available evidence, this variant is classified as likely pathogenic.

Mendelics
Classification: Pathogenic for Fanconi anemia complementation group D2. Last evaluated: 2022-05-04. Review status: criteria provided, single submitter. Criteria: Mendelics Assertion Criteria 2019. Collection method: clinical testing. Allele origin: germline.

NM_001018115.3(FANCD2):c.1279-1G>A

Genes: FANCD2 (FA complementation group D2; plus strand), LOC107303338 (3p25 FANCD2 Alu-mediated recombination region; plus strand). Cytogenetic location: 3p25.3.
Variant type: single nucleotide variant.
Coding change: c.1279-1G>A on transcript NM_001018115.3 (MANE Select); the canonical splice acceptor site of the intron before coding-DNA position 1279, G replaced by A.
Molecular consequence: splice acceptor variant.
Genome position (GRCh38, 1-based): chr3:10,047,916, G>A. VCF-style: chr3-10047916-G-A. GRCh37 (hg19) VCF-style: chr3-10089600-G-A.
Other names: c.1279-1G>A (NM_001319984.2, NM_001374253.1, NM_033084.6 and 1 more transcripts).
Identifiers: ClinVar variation 1685810 (VCV001685810.3), dbSNP rs1294791314, ClinGen allele CA351735596.